The following is an entry in ClinVar:

NM_000127.3(EXT1):c.282dup (p.Gly95fs)

Gene: EXT1 (exostosin glycosyltransferase 1; minus strand). Cytogenetic location: 8q24.11.
Variant type: Duplication.
Coding change: c.282dup on transcript NM_000127.3 (MANE Select); coding-DNA position 282, one base duplicated (A; older notation c.282dupA).
Protein change: p.Gly95fs; shifts the reading frame from glycine 95.
Molecular consequence: frameshift variant.
Genome position (GRCh38, 1-based): chr8:118,110,765, T duplicated on the plus strand (A on the coding strand, the reverse complement: EXT1 is on the minus strand); the first of 3 consecutive T bases (chr8:118,110,765-118,110,767); duplicating any one gives the same sequence. VCF-style (leftmost placement, unchanged base first): chr8-118110764-C-CT. GRCh37 (hg19) VCF-style: chr8-119123003-C-CT.
Other names: c.282dupA (NM_000127.2); short protein forms G95fs.
Identifiers: ClinVar variation 568204 (VCV000568204.6), dbSNP rs1563659649, ClinGen allele CA891843244.

ClinVar aggregate classification (germline): Pathogenic (1 of 4 stars; one submission).

Conditions:
Multiple congenital exostosis (EXT). Also called: Hereditary multiple osteochondromas; Multiple exostoses; Hereditary multiple exostoses; Hereditary multiple exostosis; Multiple osteochondromas; MULTIPLE CARTILAGINOUS EXOSTOSES. Identifiers: Orphanet 321, MedGen C0015306, MONDO:0005508, HP:0002762.

Submission:

Labcorp Genetics (formerly Invitae), Labcorp
Classification: Pathogenic for Multiple congenital exostosis. Last evaluated: 2018-03-23. Review status: criteria provided, single submitter. Criteria: Invitae Variant Classification Sherloc (09022015). Collection method: clinical testing. Allele origin: germline.
Comment: For these reasons, this variant has been classified as Pathogenic. Loss-of-function variants in EXT1 are known to be pathogenic (PMID: 10679937, 11391482, 19810120). This variant has not been reported in the literature in individuals with EXT1-related disease. This variant is not present in population databases (ExAC no frequency). This sequence change creates a premature translational stop signal (p.Gly95Argfs*94) in the EXT1 gene. It is expected to result in an absent or disrupted protein product.

Literature cited by the submitters: PubMed 10679937; PubMed 11391482; PubMed 19810120.